The following is an entry in ClinVar:

NM_005883.3(APC2):c.5738C>T (p.Ala1913Val)

Genes: APC2 (APC regulator of Wnt signaling pathway 2; plus strand), LOC130062956 (ATAC-STARR-seq lymphoblastoid silent region 9718; plus strand). Cytogenetic location: 19p13.3.
Variant type: single nucleotide variant.
Coding change: c.5738C>T on transcript NM_005883.3 (MANE Select); coding-DNA position 5738, C replaced by T.
Protein change: p.Ala1913Val; replaces alanine 1913 with valine.
Molecular consequence: missense variant.
Genome position (GRCh38, 1-based): chr19:1,469,039, C>T. VCF-style: chr19-1469039-C-T. GRCh37 (hg19) VCF-style: chr19-1469038-C-T.
Other names: c.5735C>T, p.Ala1912Val (NM_001351273.1); short protein forms A1912V, A1913V.
Identifiers: ClinVar variation 1810528 (VCV001810528.5), dbSNP rs749847769, ClinGen allele CA9046104.

ClinVar aggregate classification (germline): Uncertain significance. Review status: criteria provided, multiple submitters, no conflicts (2 of 4 stars). 3 submissions from 3 submitters: Uncertain significance (3). Last evaluated 2023-09-26.

Conditions:
Inborn genetic diseases. Identifiers: MedGen C0950123, MeSH D030342.

Allele frequency attached by ClinVar (database versions not stated): TOPMed 0.00001; gnomAD exomes 0.00005; gnomAD 0.00001; ExAC 0.00034.
gnomAD v4.1: 70 of 1,541,684 alleles (0.0045%); highest among the groups gnomAD compares: South Asian, 0.076%; no homozygotes.

Submissions (3):

Revvity Omics, Revvity
Classification: Uncertain significance. Last evaluated: 2023-09-26. Review status: criteria provided, single submitter. Criteria: ACMG Guidelines, 2015. Collection method: clinical testing. Allele origin: germline.

GeneDx
Classification: Uncertain significance. Last evaluated: 2022-07-06. Review status: criteria provided, single submitter. Criteria: GeneDx Variant Classification Process June 2021. Collection method: clinical testing. Allele origin: germline. Affected: yes.
Comment: In silico analysis supports that this missense variant does not alter protein structure/function; Has not been previously published as pathogenic or benign to our knowledge

Ambry Genetics
Classification: Uncertain significance for Inborn genetic diseases. Last evaluated: 2021-10-20. Review status: criteria provided, single submitter. Criteria: Ambry Variant Classification Scheme 2023. Collection method: clinical testing. Allele origin: germline.